The following is an entry in ClinVar:

ClinVar aggregate classification (germline): Uncertain significance. Review status: criteria provided, multiple submitters, no conflicts (2 of 4 stars). 2 submissions from 2 submitters: Uncertain significance (2). Last evaluated 2024-07-24.

Allele frequency attached by ClinVar (database versions not stated): ExAC 0.00001.
gnomAD v4.1: 1 of 1,609,972 alleles (0.000062%); highest among the groups gnomAD compares: Non-Finnish European, 0.000085%; no homozygotes.

Submissions (2):

Blueprint Genetics
Classification: Uncertain significance. Last evaluated: 2024-07-24. Review status: criteria provided, single submitter. Criteria: ACMG Guidelines, 2015. Collection method: clinical testing. Allele origin: germline.

Labcorp Genetics (formerly Invitae), Labcorp
Classification: Uncertain significance. Last evaluated: 2022-08-05. Review status: criteria provided, single submitter. Criteria: Invitae Variant Classification Sherloc (09022015). Collection method: clinical testing. Allele origin: germline.
Comment: This sequence change replaces alanine, which is neutral and non-polar, with serine, which is neutral and polar, at codon 572 of the RGS9 protein (p.Ala572Ser). In summary, the available evidence is currently insufficient to determine the role of this variant in disease. Therefore, it has been classified as a Variant of Uncertain Significance. Algorithms developed to predict the effect of missense changes on protein structure and function (SIFT, PolyPhen-2, Align-GVGD) all suggest that this variant is likely to be tolerated. This variant has not been reported in the literature in individuals affected with RGS9-related conditions. This variant is present in population databases (rs561742242, gnomAD no frequency).

NM_003835.4(RGS9):c.1714G>T (p.Ala572Ser)

Gene: RGS9 (regulator of G protein signaling 9; plus strand). Cytogenetic location: 17q24.1.
Variant type: single nucleotide variant.
Coding change: c.1714G>T on transcript NM_003835.4 (MANE Select); coding-DNA position 1714, G replaced by T.
Protein change: p.Ala572Ser; replaces alanine 572 with serine.
Molecular consequence: missense variant.
Genome position (GRCh38, 1-based): chr17:65,225,308, G>T. VCF-style: chr17-65225308-G-T. GRCh37 (hg19) VCF-style: chr17-63221426-G-T.
Other names: c.1705G>T, p.Ala569Ser (NM_001081955.3); short protein forms A572S, A569S.
Identifiers: ClinVar variation 1971825 (VCV001971825.6), dbSNP rs561742242, ClinGen allele CA8718134.